The following is an entry in ClinVar:

NM_022455.5(NSD1):c.6424T>C (p.Tyr2142His)

Gene: NSD1 (nuclear receptor binding SET domain protein 1; plus strand). Cytogenetic location: 5q35.3.
Variant type: single nucleotide variant.
Coding change: c.6424T>C on transcript NM_022455.5 (MANE Select); coding-DNA position 6424, T replaced by C.
Protein change: p.Tyr2142His; replaces tyrosine 2142 with histidine.
Molecular consequence: missense variant.
Genome position (GRCh38, 1-based): chr5:177,292,119, T>C. VCF-style: chr5-177292119-T-C. GRCh37 (hg19) VCF-style: chr5-176719120-T-C.
Other names: c.5551T>C, p.Tyr1851His (NM_001409308.1, NM_172349.5, NM_001365684.2); c.5302T>C, p.Tyr1768His (NM_001409309.1); c.6424T>C, p.Tyr2142His (NM_001409301.1, NM_001409302.1, NM_001409303.1); c.6004T>C, p.Tyr2002His (NM_001409304.1); c.5671T>C, p.Tyr1891His (NM_001409305.1); c.5662T>C, p.Tyr1888His (NM_001409306.1, NM_001409307.1); short protein forms Y1768H, Y1851H, Y1888H, Y1891H, Y2002H, Y2142H.
Identifiers: ClinVar variation 4531987 (VCV004531987.1).

ClinVar aggregate classification (germline): Pathogenic (1 of 4 stars; one submission).

Conditions:
Sotos syndrome (SOTOS). Also called: CEREBRAL GIGANTISM; Sotos' syndrome; Distinctive facial appearance, overgrowth in childhood, and learning disabilities or delayed development; CHROMOSOME 5q35 DELETION SYNDROME; SOTOS SYNDROME 1. Identifiers: Orphanet 821, MedGen C0175695, MONDO:0019349, OMIM 117550.

Submission:

Victorian Clinical Genetics Services, Murdoch Childrens Research Institute
Classification: Pathogenic for Sotos syndrome. Last evaluated: 2025-02-06. Review status: criteria provided, single submitter. Criteria: ACMG Guidelines, 2015. Collection method: clinical testing. Allele origin: germline. Affected: yes.
Comment: This variant is classified as Pathogenic. Evidence in support of pathogenic classification: Variant is absent from gnomAD (v2, v3 and v4); Other missense variant(s) comparable to the one identified in this case have moderate previous evidence for pathogenicity. p.(Tyr2142Asn) and p.(Tyr2142Cys) have been reported in the literature as de novo in two individuals with mild intellectual disability and overgrowth, and Sotos syndrome, respectively (PMID: 15942875, 28475857). In addition, p.(Tyr2142Ser) and p.(Tyr2142Asp) have been classified as likely pathogenic by clinical laboratories in ClinVar; Missense variant in a region that is highly intolerant to missense variation (high constraint region in DECIPHER); Missense variant predicted to be damaging by in silico tool(s) or highly conserved with a major amino acid change; Additional information: Variant is predicted to result in a missense amino acid change from tyrosine to histidine; This variant is heterozygous; This gene is associated with autosomal dominant disease; This variant has no previous evidence of pathogenicity; No published segregation evidence has been identified for this variant; No published functional evidence has been identified for this variant; Loss of function is a known mechanism of disease in this gene and is associated with Sotos syndrome (MIM#117550).

Literature cited by the submitters: PubMed 28475857; PubMed 15942875.